The following is an entry in ClinVar:

ClinVar aggregate classification (germline): Pathogenic. Review status: criteria provided, multiple submitters, no conflicts (2 of 4 stars). 2 submissions from 2 submitters: Pathogenic (2). Last evaluated 2026-07-01.

Conditions:
Glycogen storage disease, type II (IOPD). Also called: CARDIOMEGALIA GLYCOGENICA DIFFUSA; GLYCOGENOSIS, GENERALIZED, CARDIAC FORM; GSD II; POMPE DISEASE, INFANTILE-ONSET; GLYCOGEN STORAGE DISEASE II, INFANTILE-ONSET; ACID ALPHA-GLUCOSIDASE DEFICIENCY, INFANTILE-ONSET. Identifiers: Orphanet 365, MedGen C0017921, MONDO:0009290, OMIM 232300.

Submissions (2):

Genomenon, Inc
Classification: Pathogenic for Glycogen storage disease, type II. Last evaluated: 2026-07-01. Review status: criteria provided, single submitter. Criteria: Genomenon Sequence Variant Interpretation Standards - Updated. Collection method: curation. Allele origin: germline. Affected: yes.
Comment: GAA p.Trp498Ter (c.1494G>A) is a nonsense variant that introduces a premature stop codon at amino acid position 498 and is predicted to result in a truncated or absent protein product. This variant has been observed in at least one proband with a GAA-related disorder (PMID:32125626). It is absent or not present at a significant frequency in gnomAD. In conclusion, we classify GAA p.Trp498Ter (c.1494G>A) as a pathogenic variant.

Revvity Omics, Revvity
Classification: Pathogenic. Last evaluated: 2020-02-28. Review status: criteria provided, single submitter. Criteria: ACMG Guidelines, 2015. Collection method: clinical testing. Allele origin: germline.

Literature cited by the submitters: PubMed 32125626 (cited by Genomenon, Inc).

NM_000152.5(GAA):c.1494G>A (p.Trp498Ter)

Gene: GAA (alpha glucosidase; plus strand). Cytogenetic location: 17q25.3.
Variant type: single nucleotide variant.
Coding change: c.1494G>A on transcript NM_000152.5 (MANE Select); coding-DNA position 1494, G replaced by A.
Protein change: p.Trp498Ter; replaces tryptophan 498 with a stop codon.
Molecular consequence: nonsense.
Genome position (GRCh38, 1-based): chr17:80,110,783, G>A. VCF-style: chr17-80110783-G-A. GRCh37 (hg19) VCF-style: chr17-78084582-G-A.
Other names: c.1494G>A, p.Trp498Ter (NM_001079803.3, NM_001079804.3); short protein forms W498*.
Identifiers: ClinVar variation 1322952 (VCV001322952.5), dbSNP rs2039215098, ClinGen allele CA401366993.